The following is an entry in ClinVar:

NM_001110219.3(GJB6):c.428G>A (p.Arg143Gln)

Gene: GJB6 (gap junction protein beta 6; minus strand). Cytogenetic location: 13q12.11.
Variant type: single nucleotide variant.
Coding change: c.428G>A on transcript NM_001110219.3 (MANE Select); coding-DNA position 428, G replaced by A.
Protein change: p.Arg143Gln; replaces arginine 143 with glutamine.
Molecular consequence: missense variant.
Genome position (GRCh38, 1-based): chr13:20,223,053, C>T on the plus strand (G>A on the coding strand, the complement: GJB6 is on the minus strand). VCF-style: chr13-20223053-C-T. GRCh37 (hg19) VCF-style: chr13-20797192-C-T.
Other names: c.428G>A, p.Arg143Gln (NM_001110220.3, NM_001110221.3, NM_001370090.1 and 3 more transcripts); short protein forms R143Q.
Identifiers: ClinVar variation 1408221 (VCV001408221.7), dbSNP rs201783640, ClinGen allele CA6904442.

ClinVar aggregate classification (germline): Uncertain significance. Review status: criteria provided, multiple submitters, no conflicts (2 of 4 stars). 2 submissions from 2 submitters: Uncertain significance (2). Last evaluated 2025-02-23.

Conditions:
Hidrotic ectodermal dysplasia syndrome (GJB6). Also called: CLOUSTON HIDROTIC ECTODERMAL DYSPLASIA; Ectodermal dysplasia 2, hidrotic; Autosomal dominant hidrotic ectodermal dysplasia; Clouston syndrome; Clouston's hidrotic ectodermal dysplasia; ECTODERMAL DYSPLASIA 2, CLOUSTON TYPE. Identifiers: Orphanet 189, MedGen C0162361, MONDO:0007510, OMIM 129500.
Autosomal recessive nonsyndromic hearing loss 1A (DFNB1A). Also called: GJB6-Related DFNB 1 Nonsyndromic Hearing Loss and Deafness; Deafness, autosomal recessive 1A; Connexin 26 deafness; Deafness nonsyndromic, Connexin 26 linked; GJB2-Related Autosomal Recessive Nonsyndromic Hearing Loss; Nonsyndromic Hearing Loss and Deafness, DFNB1. Identifiers: Orphanet 90636, MedGen C2673759, MONDO:0009076, OMIM 220290.
Autosomal dominant nonsyndromic hearing loss 3B. Identifiers: Orphanet 90635, MedGen C2675237, MONDO:0012975, OMIM 612643.
Autosomal recessive nonsyndromic hearing loss 1B. Also called: DEAFNESS, AUTOSOMAL RECESSIVE 1B. Identifiers: Orphanet 90636, MedGen C2675235, MONDO:0012977, OMIM 612645.

Allele frequency attached by ClinVar (database versions not stated): gnomAD exomes below 0.00001; ExAC 0.00001; gnomAD 0.00001; 1000 Genomes Project 30x 0.00016; 1000 Genomes Project 0.00020.
gnomAD v4.1: 24 of 1,613,348 alleles (0.0015%); highest among the groups gnomAD compares: Middle Eastern, 0.016%; no homozygotes.

Submissions (2):

Labcorp Genetics (formerly Invitae), Labcorp
Classification: Uncertain significance for Autosomal dominant nonsyndromic hearing loss 3B; Hidrotic ectodermal dysplasia syndrome; Autosomal recessive nonsyndromic hearing loss 1B; Autosomal recessive nonsyndromic hearing loss 1A. Last evaluated: 2025-02-23. Review status: criteria provided, single submitter. Criteria: Invitae Variant Classification Sherloc (09022015). Collection method: clinical testing. Allele origin: germline.
Comment: This sequence change replaces arginine, which is basic and polar, with glutamine, which is neutral and polar, at codon 143 of the GJB6 protein (p.Arg143Gln). This variant is present in population databases (rs201783640, gnomAD 0.006%). This variant has not been reported in the literature in individuals affected with GJB6-related conditions. ClinVar contains an entry for this variant (Variation ID: 1408221). Invitae Evidence Modeling of protein sequence and biophysical properties (such as structural, functional, and spatial information, amino acid conservation, physicochemical variation, residue mobility, and thermodynamic stability) has been performed for this missense variant. However, the output from this modeling did not meet the statistical confidence thresholds required to predict the impact of this variant on GJB6 protein function. In summary, the available evidence is currently insufficient to determine the role of this variant in disease. Therefore, it has been classified as a Variant of Uncertain Significance.

Blueprint Genetics
Classification: Uncertain significance. Last evaluated: 2023-01-03. Review status: criteria provided, single submitter. Criteria: ACMG Guidelines, 2015. Collection method: clinical testing. Allele origin: germline.